The following is an entry in ClinVar:

NM_024589.3(ROGDI):c.734A>G (p.His245Arg)

Gene: ROGDI (rogdi atypical leucine zipper; minus strand). Cytogenetic location: 16p13.3.
Variant type: single nucleotide variant.
Coding change: c.734A>G on transcript NM_024589.3 (MANE Select); coding-DNA position 734, A replaced by G.
Protein change: p.His245Arg; replaces histidine 245 with arginine.
Molecular consequence: missense variant. On other transcripts: non-coding transcript variant (1).
Genome position (GRCh38, 1-based): chr16:4,797,802, T>C on the plus strand (A>G on the coding strand, the complement: ROGDI is on the minus strand). VCF-style: chr16-4797802-T-C. GRCh37 (hg19) VCF-style: chr16-4847803-T-C.
Other names: short protein forms H245R.
Identifiers: ClinVar variation 1061392 (VCV001061392.9), dbSNP rs2082670531, ClinGen allele CA394648925.

ClinVar aggregate classification (germline): Uncertain significance (1 of 4 stars; one submission).

Conditions:
Amelocerebrohypohidrotic syndrome (KTZS). Also called: EPILEPSY AND YELLOW TEETH; EPILEPSY, DEMENTIA, AND AMELOGENESIS IMPERFECTA; KOHLSCHUTTER SYNDROME; Kohlschutter's syndrome. Identifiers: Orphanet 1946, MedGen C0406740, MONDO:0009185, OMIM 226750.

Allele frequency attached by ClinVar (database versions not stated): gnomAD exomes below 0.00001; TOPMed below 0.00001.
gnomAD v4.1: 1 of 1,613,172 alleles (0.000062%); highest among the groups gnomAD compares: Non-Finnish European, 0.000085%; no homozygotes.

Submission:

Labcorp Genetics (formerly Invitae), Labcorp
Classification: Uncertain significance for Amelocerebrohypohidrotic syndrome. Last evaluated: 2021-01-14. Review status: criteria provided, single submitter. Criteria: Invitae Variant Classification Sherloc (09022015). Collection method: clinical testing. Allele origin: germline.
Comment: Algorithms developed to predict the effect of missense changes on protein structure and function are either unavailable or do not agree on the potential impact of this missense change (SIFT: "Tolerated"; PolyPhen-2: "Probably Damaging"; Align-GVGD: "Class C0"). This variant has not been reported in the literature in individuals with ROGDI-related conditions. This variant is not present in population databases (ExAC no frequency). This sequence change replaces histidine with arginine at codon 245 of the ROGDI protein (p.His245Arg). The histidine residue is highly conserved and there is a small physicochemical difference between histidine and arginine. In summary, the available evidence is currently insufficient to determine the role of this variant in disease. Therefore, it has been classified as a Variant of Uncertain Significance.